The following is an entry in ClinVar:

NM_007294.4(BRCA1):c.23T>G (p.Val8Gly)

Gene: BRCA1 (BRCA1 DNA repair associated; minus strand). Cytogenetic location: 17q21.31.
Variant type: single nucleotide variant.
Coding change: c.23T>G on transcript NM_007294.4 (MANE Select); coding-DNA position 23, T replaced by G.
Protein change: p.Val8Gly; replaces valine 8 with glycine.
Molecular consequence: missense variant. On other transcripts: 5 prime UTR variant (1), non-coding transcript variant (1).
Genome position (GRCh38, 1-based): chr17:43,124,074, A>C on the plus strand (T>G on the coding strand, the complement: BRCA1 is on the minus strand). VCF-style: chr17-43124074-A-C. GRCh37 (hg19) VCF-style: chr17-41276091-A-C.
Other names: c.-65T>G (NM_001408459.1, NM_001408460.1, NM_001408461.1 and 23 more transcripts); c.-238T>G (NM_001408462.1, NM_001408463.1, NM_001408466.1 and 22 more transcripts); c.-239T>G (NM_001408465.1, NM_001407695.1); c.-235T>G (NM_001408468.1, NM_001408501.1, NM_001407694.1 and 11 more transcripts); c.23T>G, p.Val8Gly (NM_001408472.1, NM_001408473.1, NM_001408474.1 and 193 more transcripts); c.-166T>G (NM_001408478.1, NM_001408479.1, NM_001408480.1 and 46 more transcripts); c.-311T>G (NM_001408482.1); c.-282T>G (NM_001408492.1, NM_001407889.1); and 8 more; short protein forms V8G.
Identifiers: ClinVar variation 867694 (VCV000867694.3), dbSNP rs2055739664, ClinGen allele CA10602116.

Conditions:
Breast-ovarian cancer, familial, susceptibility to, 1 (BROVCA1). Also called: BRCA1 Hereditary Breast and Ovarian Cancer; OVARIAN CANCER, SUSCEPTIBILITY TO. Identifiers: Orphanet 145, MedGen C2676676, MONDO:0011450, OMIM 604370. Disease mechanism: loss of function.

Submission:

Brotman Baty Institute, University of Washington
No classification provided (evidence only). Condition: Breast-ovarian cancer, familial 1. Review status: no classification provided. Collection method: in vitro. Allele origin: not applicable. Functional consequence: functionally_normal.
ClinVar note: "not provided" was previously submitted as the classification for the variant. However, the classification appeared to be based only on an observation of functional data so it was converted to no classification on 2025-07-30.